The following is an entry in ClinVar:

ClinVar aggregate classification (germline): Pathogenic (1 of 4 stars; one submission).

Conditions:
T-B+ severe combined immunodeficiency due to JAK3 deficiency. Also called: SCID, autosomal recessive, T-negative/B-positive type; SCID, T CELL-NEGATIVE, B CELL-POSITIVE, NK CELL-NEGATIVE. Identifiers: Orphanet 35078, MedGen C1833275, MONDO:0010938, OMIM 600802.

Submission:

Labcorp Genetics (formerly Invitae), Labcorp
Classification: Pathogenic for T-B+ severe combined immunodeficiency due to JAK3 deficiency. Last evaluated: 2024-01-11. Review status: criteria provided, single submitter. Criteria: Invitae Variant Classification Sherloc (09022015). Collection method: clinical testing. Allele origin: germline.
Comment: This sequence change creates a premature translational stop signal (p.Glu183Glyfs*3) in the JAK3 gene. It is expected to result in an absent or disrupted protein product. Loss-of-function variants in JAK3 are known to be pathogenic (PMID: 7481768, 11668621). This variant is not present in population databases (gnomAD no frequency). This variant has not been reported in the literature in individuals affected with JAK3-related conditions. For these reasons, this variant has been classified as Pathogenic.

Literature cited by the submitters: PubMed 7481768; PubMed 11668621.

NM_000215.4(JAK3):c.548del (p.Glu183fs)

Gene: JAK3 (Janus kinase 3; minus strand). Cytogenetic location: 19p13.11.
Variant type: Deletion.
Coding change: c.548del on transcript NM_000215.4 (MANE Select); coding-DNA position 548, one base deleted (A; older notation c.548delA).
Protein change: p.Glu183fs; shifts the reading frame from glutamic acid 183.
Molecular consequence: frameshift variant.
Genome position (GRCh38, 1-based): chr19:17,843,045, T deleted on the plus strand (A on the coding strand, the reverse complement: JAK3 is on the minus strand). VCF-style (leftmost placement, unchanged base first): chr19-17843044-CT-C. GRCh37 (hg19) VCF-style: chr19-17953853-CT-C.
Other names: short protein forms E183fs.
Identifiers: ClinVar variation 2701655 (VCV002701655.3), dbSNP rs2514577804, ClinGen allele CA2697556406.